The following is an entry in ClinVar:

NM_004444.5(EPHB4):c.85G>A (p.Asp29Asn)

Gene: EPHB4 (EPH receptor B4; minus strand). Cytogenetic location: 7q22.1.
Variant type: single nucleotide variant.
Coding change: c.85G>A on transcript NM_004444.5 (MANE Select); coding-DNA position 85, G replaced by A.
Protein change: p.Asp29Asn; replaces aspartic acid 29 with asparagine.
Molecular consequence: missense variant.
Genome position (GRCh38, 1-based): chr7:100,824,241, C>T on the plus strand (G>A on the coding strand, the complement: EPHB4 is on the minus strand). VCF-style: chr7-100824241-C-T. GRCh37 (hg19) VCF-style: chr7-100421863-C-T.
Other names: short protein forms D29N.
Identifiers: ClinVar variation 4824077 (VCV004824077.1).

ClinVar aggregate classification (germline): Uncertain significance (1 of 4 stars; one submission).

Conditions:
Cardiovascular phenotype. Identifiers: MedGen CN230736.

gnomAD v4.1: 1 of 1,613,962 alleles (0.000062%); highest among the groups gnomAD compares: African/African-American, 0.0013%; no homozygotes.

Submission:

Ambry Genetics
Classification: Uncertain significance for Cardiovascular phenotype. Last evaluated: 2026-01-17. Review status: criteria provided, single submitter. Criteria: Ambry Variant Classification Scheme 2023. Collection method: clinical testing. Allele origin: germline.
Comment: The p.D29N variant (also known as c.85G>A), located in coding exon 2 of the EPHB4 gene, results from a G to A substitution at nucleotide position 85. The aspartic acid at codon 29 is replaced by asparagine, an amino acid with highly similar properties. This amino acid position is conserved. In addition, this alteration is predicted to be tolerated by in silico analysis. Based on the available evidence, the clinical significance of this variant remains unclear.